The following is an entry in ClinVar:

NM_000535.7(PMS2):c.2128G>C (p.Glu710Gln)

Gene: PMS2 (PMS1 homolog 2, mismatch repair system component; minus strand). Cytogenetic location: 7p22.1.
Variant type: single nucleotide variant.
Coding change: c.2128G>C on transcript NM_000535.7 (MANE Select); coding-DNA position 2128, G replaced by C.
Protein change: p.Glu710Gln; replaces glutamic acid 710 with glutamine.
Molecular consequence: missense variant. On other transcripts: non-coding transcript variant (1), intron variant (4).
Genome position (GRCh38, 1-based): chr7:5,982,870, C>G on the plus strand (G>C on the coding strand, the complement: PMS2 is on the minus strand). VCF-style: chr7-5982870-C-G. GRCh37 (hg19) VCF-style: chr7-6022501-C-G.
Other names: c.1555G>C, p.Glu519Gln (NM_001322013.2, NM_001406909.1); c.2128G>C, p.Glu710Gln (NM_001322014.2, NM_001406871.1); c.1819G>C, p.Glu607Gln (NM_001322015.2, NM_001406875.1, NM_001406877.1 and 5 more transcripts); c.2314G>C, p.Glu772Gln (NM_001406866.1); c.2152G>C, p.Glu718Gln (NM_001406868.1); c.2020G>C, p.Glu674Gln (NM_001406869.1); c.1972G>C, p.Glu658Gln (NM_001406870.1, NM_001322006.2); c.1930G>C, p.Glu644Gln (NM_001406873.1); and 16 more; short protein forms E519Q, E588Q, E674Q, E710Q, E453Q, E598Q, E604Q, E658Q.
Identifiers: ClinVar variation 3935120 (VCV003935120.1).

ClinVar aggregate classification (germline): Uncertain significance (1 of 4 stars; one submission).

Conditions:
Hereditary cancer-predisposing syndrome. Also called: Tumor predisposition; Hereditary neoplastic syndrome; Hereditary Cancer Syndrome; Neoplastic Syndromes, Hereditary. Identifiers: Orphanet 140162, MedGen C0027672, MeSH D009386, MONDO:0015356.

Submission:

Ambry Genetics
Classification: Uncertain significance for Hereditary cancer-predisposing syndrome. Last evaluated: 2025-04-22. Review status: criteria provided, single submitter. Criteria: Ambry Variant Classification Scheme 2023. Collection method: clinical testing. Allele origin: germline.
Comment: The p.E710Q variant (also known as c.2128G>C), located in coding exon 12 of the PMS2 gene, results from a G to C substitution at nucleotide position 2128. The glutamic acid at codon 710 is replaced by glutamine, an amino acid with highly similar properties. This amino acid position is highly conserved in available vertebrate species. In addition, this alteration is predicted to be deleterious by in silico analysis. Based on the available evidence, the clinical significance of this variant remains unclear.